The following is an entry in ClinVar:

NM_001353921.2(ARHGEF9):c.1435C>T (p.Gln479Ter)

Gene: ARHGEF9 (Cdc42 guanine nucleotide exchange factor 9; minus strand). Cytogenetic location: Xq11.1.
Variant type: single nucleotide variant.
Coding change: c.1435C>T on transcript NM_001353921.2 (MANE Select); coding-DNA position 1435, C replaced by T.
Protein change: p.Gln479Ter; replaces glutamine 479 with a stop codon.
Molecular consequence: nonsense. On other transcripts: 3 prime UTR variant (2).
Genome position (GRCh38, 1-based): chrX:63,638,165, G>A on the plus strand (C>T on the coding strand, the complement: ARHGEF9 is on the minus strand). VCF-style: chrX-63638165-G-A. GRCh37 (hg19) VCF-style: chrX-62858045-G-A.
Other names: c.1414C>T, p.Gln472Ter (NM_001369030.1, NM_001369031.1, NM_001369032.1 and 1 more transcripts); c.1108C>T, p.Gln370Ter (NM_001173480.2, NM_001369042.1); c.1303C>T, p.Gln435Ter (NM_001353922.2); c.1351C>T, p.Gln451Ter (NM_001330495.2, NM_001369033.1, NM_001369034.1 and 4 more transcripts); c.1219C>T, p.Gln407Ter (NM_001353927.2, NM_001369041.1); c.1234C>T, p.Gln412Ter (NM_001353924.2, NM_001353926.2, NM_001369039.1 and 1 more transcripts); c.1453C>T, p.Gln485Ter (NM_001353923.1); c.1282C>T, p.Gln428Ter (NM_001353928.2); and 3 more; short protein forms Q370*, Q428*, Q419*, Q451*, Q479*, Q472*, Q290*, Q407*.
Identifiers: ClinVar variation 2698228 (VCV002698228.3), dbSNP rs2519460414, ClinGen allele CA413401286.
Genomic context (GRCh38, chrX:63,638,165, plus strand): 5'-AGACCTGCGACTGAGCGATGCCGTCGGGGACCAGGTACTGGCCGTGGTTTAACGGGTCCT[G>A]CGGTGGTGGGTAGGAAGGAGGAACTGAGCGGGCAGAGTTGACACCTAGAGTAGATGAGAG-3'

ClinVar aggregate classification (germline): Uncertain significance (1 of 4 stars; one submission).

Conditions:
Developmental and epileptic encephalopathy, 8 (DEE8). Also called: HYPEREKPLEXIA AND EPILEPSY. Identifiers: Orphanet 163985, Orphanet 2076, MedGen C1845102, MONDO:0010375, OMIM 300607.

Submission:

Labcorp Genetics (formerly Invitae), Labcorp
Classification: Uncertain significance for Developmental and epileptic encephalopathy, 8. Last evaluated: 2024-02-26. Review status: criteria provided, single submitter. Criteria: Invitae Variant Classification Sherloc (09022015). Collection method: clinical testing. Allele origin: germline.
Comment: This sequence change creates a premature translational stop signal (p.Gln472*) in the ARHGEF9 gene. While this is not anticipated to result in nonsense mediated decay, it is expected to disrupt the last 45 amino acid(s) of the ARHGEF9 protein. This variant is not present in population databases (gnomAD no frequency). This variant has not been reported in the literature in individuals affected with ARHGEF9-related conditions. This variant disrupts a region of the ARHGEF9 protein in which other variant(s) (p.Asp484Asn) have been observed in individuals with ARHGEF9-related conditions (PMID: 32593896). This suggests that this is a clinically significant region of the protein, and that variants that disrupt it are likely to be disease-causing. In summary, the available evidence is currently insufficient to determine the role of this variant in disease. Therefore, it has been classified as a Variant of Uncertain Significance.

Literature cited by the submitters: PubMed 32593896.